The following is an entry in ClinVar:

ClinVar aggregate classification (germline): Benign/Likely benign. Review status: criteria provided, multiple submitters, no conflicts (2 of 4 stars). 9 submissions from 8 submitters: Benign (2); Likely benign (5). 2 of the submissions do not count toward it. Last evaluated 2026-01-28.

Conditions:
McKusick-Kaufman syndrome (MKKS). Also called: HYDROMETROCOLPOS SYNDROME; HYDROMETROCOLPOS, POSTAXIAL POLYDACTYLY, AND CONGENITAL HEART MALFORMATION. Identifiers: Orphanet 2473, MedGen C0948368, MONDO:0009367, OMIM 236700.
Bardet-Biedl syndrome (BBS). Identifiers: Orphanet 110, MedGen C0752166, MONDO:0015229.
Bardet-Biedl syndrome 6 (BBS6). Identifiers: Orphanet 110, MedGen C1858054, MONDO:0011523, OMIM 605231.

Allele frequency attached by ClinVar (database versions not stated): gnomAD exomes 0.00106; ExAC 0.00136; ESP Exome Variant Server 0.00446; gnomAD 0.00474 and 0.00508; TOPMed 0.00511; 1000 Genomes Project 0.00599; 1000 Genomes Project 30x 0.00750.
gnomAD v4.1: 1,306 of 1,614,170 alleles (0.081%); highest among the groups gnomAD compares: African/African-American, 1.5%; 7 homozygotes.

Submissions (9):

Labcorp Genetics (formerly Invitae), Labcorp
Classification: Benign for McKusick-Kaufman syndrome; Bardet-Biedl syndrome. Last evaluated: 2026-01-28. Review status: criteria provided, single submitter. Criteria: Invitae Variant Classification Sherloc (09022015). Collection method: clinical testing. Allele origin: germline.

CeGaT Center for Human Genetics Tuebingen
Classification: Likely benign. Last evaluated: 2025-11-01. Review status: criteria provided, single submitter. Criteria: CeGaT Center For Human Genetics Tuebingen Variant Classification Criteria Version 2. Collection method: clinical testing. Allele origin: germline. Affected: yes. Observed: 1 variant allele.
Comment: MKKS: BS1

Blueprint Genetics
Classification: Likely benign. Last evaluated: 2024-10-08. Review status: criteria provided, single submitter. Criteria: ACMG Guidelines, 2015. Collection method: clinical testing. Allele origin: germline.

GeneDx
Classification: Likely benign. Last evaluated: 2021-05-06. Review status: criteria provided, single submitter. Criteria: GeneDx Variant Classification Process June 2021. Collection method: clinical testing. Allele origin: germline. Affected: yes.
Comment: See Variant Classification Assertion Criteria.

Illumina Laboratory Services, Illumina
Classification: Benign for McKusick-Kaufman syndrome. Last evaluated: 2018-01-13. Review status: criteria provided, single submitter. Criteria: ICSL Variant Classification Criteria 13 December 2019. Collection method: clinical testing. Allele origin: germline.
Comment: This variant was observed in the ICSL laboratory as part of a predisposition screen in an ostensibly healthy population. It had not been previously curated by ICSL or reported in the Human Gene Mutation Database (HGMD: prior to June 1st, 2018), and was therefore a candidate for classification through an automated scoring system. Utilizing variant allele frequency, disease prevalence and penetrance estimates, and inheritance mode, an automated score was calculated to assess if this variant is too frequent to cause the disease. Based on the score and internal cut-off values, a variant classified as benign is not then subjected to further curation. The score for this variant resulted in a classification of benign for this disease.

Illumina Laboratory Services, Illumina
Classification: Likely benign for Bardet-Biedl syndrome 6. Last evaluated: 2018-01-13. Review status: criteria provided, single submitter. Criteria: ICSL Variant Classification Criteria 13 December 2019. Collection method: clinical testing. Allele origin: germline.
Comment: This variant was observed in the ICSL laboratory as part of a predisposition screen in an ostensibly healthy population. It had not been previously curated by ICSL or reported in the Human Gene Mutation Database (HGMD: prior to June 1st, 2018), and was therefore a candidate for classification through an automated scoring system. Utilizing variant allele frequency, disease prevalence and penetrance estimates, and inheritance mode, an automated score was calculated to assess if this variant is too frequent to cause the disease. Based on the score and internal cut-off values, a variant classified as likely benign is not then subjected to further curation. The score for this variant resulted in a classification of likely benign for this disease.

Breakthrough Genomics
Classification: Likely benign. Review status: criteria provided, single submitter. Criteria: ACMG Guidelines, 2015. Collection method: not provided. Allele origin: germline. Inheritance: Autosomal recessive inheritance. Affected: yes.

Clinical Genetics, Academic Medical Center
Classification: Benign. Review status: no assertion criteria provided. Collection method: clinical testing. Allele origin: germline. Affected: yes. Study: VKGL Data-share Consensus. Not counted in ClinVar's aggregate classification.

Genome Diagnostics Laboratory, University Medical Center Utrecht
Classification: Benign. Review status: no assertion criteria provided. Collection method: clinical testing. Allele origin: germline. Affected: yes. Study: VKGL Data-share Consensus. Not counted in ClinVar's aggregate classification.

NM_170784.3(MKKS):c.16G>A (p.Ala6Thr)

Gene: MKKS (MKKS centrosomal shuttling protein; minus strand). Cytogenetic location: 20p12.2.
Variant type: single nucleotide variant.
Coding change: c.16G>A on transcript NM_170784.3 (MANE Select); coding-DNA position 16, G replaced by A.
Protein change: p.Ala6Thr; replaces alanine 6 with threonine.
Molecular consequence: missense variant.
Genome position (GRCh38, 1-based): chr20:10,413,499, C>T on the plus strand (G>A on the coding strand, the complement: MKKS is on the minus strand). VCF-style: chr20-10413499-C-T. GRCh37 (hg19) VCF-style: chr20-10394147-C-T.
Other names: c.16G>A, p.Ala6Thr (NM_018848.3); short protein forms A6T.
Identifiers: ClinVar variation 414069 (VCV000414069.25), dbSNP rs150920905, ClinGen allele CA9763761.